The following is an entry in ClinVar:

NM_004329.3(BMPR1A):c.946T>A (p.Ser316Thr)

Gene: BMPR1A (bone morphogenetic protein receptor type 1A; plus strand). Cytogenetic location: 10q23.2.
Variant type: single nucleotide variant.
Coding change: c.946T>A on transcript NM_004329.3 (MANE Select); coding-DNA position 946, T replaced by A.
Protein change: p.Ser316Thr; replaces serine 316 with threonine.
Molecular consequence: missense variant.
Genome position (GRCh38, 1-based): chr10:86,919,249, T>A. VCF-style: chr10-86919249-T-A. GRCh37 (hg19) VCF-style: chr10-88679006-T-A.
Other names: short protein forms S316T.
Identifiers: ClinVar variation 529924 (VCV000529924.10), dbSNP rs1554891039, ClinGen allele CA377460186.
Genomic context (GRCh38, chr10:86,919,249, plus strand): 5'-ATTAAAGGTACAGGTTCCTGGACTCAGCTCTATTTGATTACTGATTACCATGAAAATGGA[T>A]CTCTCTATGACTTCCTGAAATGTGCTACACTGGACACCAGAGCCCTGCTTAAATTGGCTT-3'
Protein context (NP_004320.2, residues 306-326): YLITDYHENG[Ser316Thr]LYDFLKCATL

ClinVar aggregate classification (germline): Uncertain significance. Review status: criteria provided, multiple submitters, no conflicts (2 of 4 stars). 3 submissions from 3 submitters: Uncertain significance (3). Last evaluated 2024-10-16.

Conditions:
Hereditary cancer-predisposing syndrome. Also called: Neoplastic Syndromes, Hereditary; Hereditary neoplastic syndrome; Tumor predisposition; Hereditary Cancer Syndrome. Identifiers: Orphanet 140162, MedGen C0027672, MeSH D009386, MONDO:0015356.
Juvenile polyposis syndrome (JPS). Identifiers: Orphanet 2929, MedGen C0345893, MONDO:0017380, OMIM 174900.

Submissions (3):

Labcorp Genetics (formerly Invitae), Labcorp
Classification: Uncertain significance for Juvenile polyposis syndrome. Last evaluated: 2024-10-16. Review status: criteria provided, single submitter. Criteria: Invitae Variant Classification Sherloc (09022015). Collection method: clinical testing. Allele origin: germline.
Comment: This sequence change replaces serine, which is neutral and polar, with threonine, which is neutral and polar, at codon 316 of the BMPR1A protein (p.Ser316Thr). This variant is not present in population databases (gnomAD no frequency). This variant has not been reported in the literature in individuals affected with BMPR1A-related conditions. ClinVar contains an entry for this variant (Variation ID: 529924). Invitae Evidence Modeling of protein sequence and biophysical properties (such as structural, functional, and spatial information, amino acid conservation, physicochemical variation, residue mobility, and thermodynamic stability) has been performed for this missense variant. However, the output from this modeling did not meet the statistical confidence thresholds required to predict the impact of this variant on BMPR1A protein function. In summary, the available evidence is currently insufficient to determine the role of this variant in disease. Therefore, it has been classified as a Variant of Uncertain Significance.

Ambry Genetics
Classification: Uncertain significance for Hereditary cancer-predisposing syndrome. Last evaluated: 2024-06-15. Review status: criteria provided, single submitter. Criteria: Ambry Variant Classification Scheme 2023. Collection method: clinical testing. Allele origin: germline.
Comment: The p.S316T variant (also known as c.946T>A), located in coding exon 8 of the BMPR1A gene, results from a T to A substitution at nucleotide position 946. The serine at codon 316 is replaced by threonine, an amino acid with similar properties. This amino acid position is conserved. In addition, this alteration is predicted to be deleterious by in silico analysis. Based on the available evidence, the clinical significance of this variant remains unclear.

All of Us Research Program, National Institutes of Health
Classification: Uncertain significance for Juvenile polyposis syndrome. Last evaluated: 2023-12-18. Review status: criteria provided, single submitter. Criteria: ACMG Guidelines, 2015. Collection method: clinical testing. Allele origin: germline. Inheritance: Autosomal dominant inheritance. Observed: 1 variant allele, 1 heterozygote.
Comment: This missense variant replaces serine with threonine at codon 316 of the BMPR1A protein. Computational prediction suggests that this variant may have deleterious impact on protein structure and function (internally defined REVEL score threshold >= 0.7, PMID: 27666373). To our knowledge, functional studies have not been reported for this variant. This variant has not been reported in individuals affected with BMPR1A-related disorders in the literature. This variant has not been identified in the general population by the Genome Aggregation Database (gnomAD). The available evidence is insufficient to determine the role of this variant in disease conclusively. Therefore, this variant is classified as a Variant of Uncertain Significance.

This study involves interpretation of variants in research participants for the purpose of population health screening. Participant phenotype was not available at the time of variant classification. Additional details can be found in publication PMID: 35346344, PMCID: PMC8962531